The following is an entry in ClinVar:

NM_004329.3(BMPR1A):c.82A>G (p.Ser28Gly)

Gene: BMPR1A (bone morphogenetic protein receptor type 1A; plus strand). Cytogenetic location: 10q23.2.
Variant type: single nucleotide variant.
Coding change: c.82A>G on transcript NM_004329.3 (MANE Select); coding-DNA position 82, A replaced by G.
Protein change: p.Ser28Gly; replaces serine 28 with glycine.
Molecular consequence: missense variant.
Genome position (GRCh38, 1-based): chr10:86,890,076, A>G. VCF-style: chr10-86890076-A-G. GRCh37 (hg19) VCF-style: chr10-88649833-A-G.
Other names: short protein forms S28G.
Identifiers: ClinVar variation 1332098 (VCV001332098.9), dbSNP rs1170582171, ClinGen allele CA377446265.
Genomic context (GRCh38, chr10:86,890,076, plus strand): 5'-AGCTTTTCAGAAATGATTTACTTACAAATTCCATATTTGAATGCAGGACAGAATCTGGAT[A>G]GTATGCTTCATGGCACTGGGATGAAATCAGACTCCGACCAGAAAAAGTCAGAAAATGGAG-3'
Protein context (NP_004320.2, residues 18-38): ISRVQGQNLD[Ser28Gly]MLHGTGMKSD

ClinVar aggregate classification (germline): Uncertain significance. Review status: criteria provided, multiple submitters, no conflicts (2 of 4 stars). 2 submissions from 2 submitters: Uncertain significance (2). Last evaluated 2025-03-05.

Conditions:
Juvenile polyposis syndrome (JPS). Identifiers: Orphanet 2929, MedGen C0345893, MONDO:0017380, OMIM 174900.
Hereditary cancer-predisposing syndrome. Also called: Hereditary Cancer Syndrome; Hereditary neoplastic syndrome; Neoplastic Syndromes, Hereditary; Tumor predisposition. Identifiers: Orphanet 140162, MedGen C0027672, MeSH D009386, MONDO:0015356.

Allele frequency attached by ClinVar (database versions not stated): gnomAD exomes below 0.00001.
gnomAD v4.1: 2 of 1,613,148 alleles (0.00012%); highest among the groups gnomAD compares: Admixed American, 0.0033%; no homozygotes.

Submissions (2):

Labcorp Genetics (formerly Invitae), Labcorp
Classification: Uncertain significance for Juvenile polyposis syndrome. Last evaluated: 2025-03-05. Review status: criteria provided, single submitter. Criteria: Invitae Variant Classification Sherloc (09022015). Collection method: clinical testing. Allele origin: germline.
Comment: This sequence change replaces serine, which is neutral and polar, with glycine, which is neutral and non-polar, at codon 28 of the BMPR1A protein (p.Ser28Gly). This variant is present in population databases (no rsID available, gnomAD 0.003%). This variant has not been reported in the literature in individuals affected with BMPR1A-related conditions. ClinVar contains an entry for this variant (Variation ID: 1332098). Invitae Evidence Modeling of protein sequence and biophysical properties (such as structural, functional, and spatial information, amino acid conservation, physicochemical variation, residue mobility, and thermodynamic stability) indicates that this missense variant is not expected to disrupt BMPR1A protein function with a negative predictive value of 95%. In summary, the available evidence is currently insufficient to determine the role of this variant in disease. Therefore, it has been classified as a Variant of Uncertain Significance.

Color Diagnostics, LLC DBA Color Health
Classification: Uncertain significance for Hereditary cancer-predisposing syndrome. Last evaluated: 2024-03-06. Review status: criteria provided, single submitter. Criteria: ACMG Guidelines, 2015. Collection method: clinical testing. Allele origin: germline.
Comment: This missense variant replaces serine with glycine at codon 28 of the BMPR1A protein. Computational prediction suggests that this variant may not impact protein structure and function (internally defined REVEL score threshold <= 0.5, PMID: 27666373). To our knowledge, functional studies have not been reported for this variant. This variant has not been reported in individuals affected with hereditary cancer in the literature. This variant has been identified in 1/251312 chromosomes in the general population by the Genome Aggregation Database (gnomAD). The available evidence is insufficient to determine the role of this variant in disease conclusively. Therefore, this variant is classified as a Variant of Uncertain Significance.